The following is an entry in ClinVar:

NM_004517.4(ILK):c.451C>T (p.Arg151Trp)

Genes: TAF10 (TATA-box binding protein associated factor 10; minus strand), ILK (integrin linked kinase; plus strand). Cytogenetic location: 11p15.4.
Variant type: single nucleotide variant.
Coding change: c.451C>T on transcript NM_004517.4 (MANE Select); coding-DNA position 451, C replaced by T.
Protein change: p.Arg151Trp; replaces arginine 151 with tryptophan.
Molecular consequence: missense variant. On other transcripts: synonymous variant (1), 3 prime UTR variant (1).
Genome position (GRCh38, 1-based): chr11:6,608,886, C>T. VCF-style: chr11-6608886-C-T. GRCh37 (hg19) VCF-style: chr11-6630117-C-T.
Other names: c.451C>T, p.Arg151Trp (NM_001014794.3, NM_001014795.3); c.354C>T, p.Ser118= (NM_001278441.2); c.49C>T, p.Arg17Trp (NM_001278442.2); c.*2036G>A (NM_006284.4); short protein forms R151W, R17W.
Identifiers: ClinVar variation 966619 (VCV000966619.12), dbSNP rs771485363, ClinGen allele CA5858060.

ClinVar aggregate classification (germline): Uncertain significance. Review status: criteria provided, multiple submitters, no conflicts (2 of 4 stars). 2 submissions from 2 submitters: Uncertain significance (2). Last evaluated 2025-08-29.

Conditions:
Primary familial hypertrophic cardiomyopathy (HCM). Identifiers: Orphanet 99739, MedGen C0949658, MeSH D024741, MONDO:0024573. Inheritance: Various modes of inheritance.

Allele frequency attached by ClinVar (database versions not stated): gnomAD 0.00001; TOPMed 0.00001; gnomAD exomes 0.00002; ExAC 0.00003.

Submissions (2):

Labcorp Genetics (formerly Invitae), Labcorp
Classification: Uncertain significance for Primary familial hypertrophic cardiomyopathy. Last evaluated: 2025-08-29. Review status: criteria provided, single submitter. Criteria: Invitae Variant Classification Sherloc (09022015). Collection method: clinical testing. Allele origin: germline.
Comment: This sequence change replaces arginine, which is basic and polar, with tryptophan, which is neutral and slightly polar, at codon 151 of the ILK protein (p.Arg151Trp). This variant is present in population databases (rs771485363, gnomAD 0.01%). This variant has not been reported in the literature in individuals affected with ILK-related conditions. ClinVar contains an entry for this variant (Variation ID: 966619). An algorithm developed to predict the effect of missense changes on protein structure and function (PolyPhen-2) suggests that this variant is likely to be tolerated. In summary, the available evidence is currently insufficient to determine the role of this variant in disease. Therefore, it has been classified as a Variant of Uncertain Significance.

Ambry Genetics
Classification: Uncertain significance. Last evaluated: 2025-04-25. Review status: criteria provided, single submitter. Criteria: Ambry Variant Classification Scheme 2023. Collection method: clinical testing. Allele origin: germline.